The following is an entry in ClinVar:

NM_003072.5(SMARCA4):c.495G>T (p.Gln165His)

Gene: SMARCA4 (SWI/SNF related BAF chromatin remodeling complex subunit ATPase 4; plus strand). Cytogenetic location: 19p13.2.
Variant type: single nucleotide variant.
Coding change: c.495G>T on transcript NM_003072.5 (MANE Select); coding-DNA position 495, G replaced by T.
Protein change: p.Gln165His; replaces glutamine 165 with histidine.
Molecular consequence: missense variant. On other transcripts: non-coding transcript variant (1).
Genome position (GRCh38, 1-based): chr19:10,986,328, G>T. VCF-style: chr19-10986328-G-T. GRCh37 (hg19) VCF-style: chr19-11097004-G-T.
Other names: c.495G>T, p.Gln165His (NM_001128844.3, NM_001128845.2, NM_001128846.2 and 6 more transcripts); short protein forms Q165H.
Identifiers: ClinVar variation 3958460 (VCV003958460.1).

ClinVar aggregate classification (germline): Uncertain significance (1 of 4 stars; one submission).

Conditions:
Hereditary cancer-predisposing syndrome. Also called: Tumor predisposition; Hereditary neoplastic syndrome; Hereditary Cancer Syndrome; Neoplastic Syndromes, Hereditary. Identifiers: Orphanet 140162, MedGen C0027672, MeSH D009386, MONDO:0015356.

Submission:

Ambry Genetics
Classification: Uncertain significance for Hereditary cancer-predisposing syndrome. Last evaluated: 2025-05-09. Review status: criteria provided, single submitter. Criteria: Ambry Variant Classification Scheme 2023. Collection method: clinical testing. Allele origin: germline.
Comment: The p.Q165H variant (also known as c.495G>T), located in coding exon 3 of the SMARCA4 gene, results from a G to T substitution at nucleotide position 495. The glutamine at codon 165 is replaced by histidine, an amino acid with highly similar properties. This amino acid position is conserved. In addition, this alteration is predicted to be tolerated by in silico analysis. Based on the available evidence, the clinical significance of this variant remains unclear.